The following is an entry in ClinVar:

ClinVar aggregate classification (germline): Uncertain significance (1 of 4 stars; one submission).

gnomAD v4.1: 23 of 1,611,634 alleles (0.0014%); highest among the groups gnomAD compares: Admixed American, 0.005%; no homozygotes.

Submission:

Labcorp Genetics (formerly Invitae), Labcorp
Classification: Uncertain significance. Last evaluated: 2025-06-20. Review status: criteria provided, single submitter. Criteria: Invitae Variant Classification Sherloc (09022015). Collection method: clinical testing. Allele origin: germline.
Comment: This sequence change replaces glycine, which is neutral and non-polar, with arginine, which is basic and polar, at codon 510 of the TOP3A protein (p.Gly510Arg). This variant is present in population databases (rs765257578, gnomAD 0.003%). This variant has not been reported in the literature in individuals affected with TOP3A-related conditions. An algorithm developed to predict the effect of missense changes on protein structure and function (PolyPhen-2) suggests that this variant is likely to be disruptive. In summary, the available evidence is currently insufficient to determine the role of this variant in disease. Therefore, it has been classified as a Variant of Uncertain Significance.

NM_004618.5(TOP3A):c.1528G>A (p.Gly510Arg)

Gene: TOP3A (DNA topoisomerase III alpha; minus strand). Cytogenetic location: 17p11.2.
Variant type: single nucleotide variant.
Coding change: c.1528G>A on transcript NM_004618.5 (MANE Select); coding-DNA position 1528, G replaced by A.
Protein change: p.Gly510Arg; replaces glycine 510 with arginine.
Molecular consequence: missense variant.
Genome position (GRCh38, 1-based): chr17:18,290,626, C>T on the plus strand (G>A on the coding strand, the complement: TOP3A is on the minus strand). VCF-style: chr17-18290626-C-T. GRCh37 (hg19) VCF-style: chr17-18193940-C-T.
Other names: c.1243G>A, p.Gly415Arg (NM_001320759.2); short protein forms G415R, G510R.
Identifiers: ClinVar variation 4696838 (VCV004696838.1).